The following is an entry in ClinVar:

NM_002471.4(MYH6):c.941T>C (p.Val314Ala)

Gene: MYH6 (myosin heavy chain 6; minus strand). Cytogenetic location: 14q11.2.
Variant type: single nucleotide variant.
Coding change: c.941T>C on transcript NM_002471.4 (MANE Select); coding-DNA position 941, T replaced by C.
Protein change: p.Val314Ala; replaces valine 314 with alanine.
Molecular consequence: missense variant.
Genome position (GRCh38, 1-based): chr14:23,402,758, A>G on the plus strand (T>C on the coding strand, the complement: MYH6 is on the minus strand). VCF-style: chr14-23402758-A-G. GRCh37 (hg19) VCF-style: chr14-23871967-A-G.
Other names: short protein forms V314A.
Identifiers: ClinVar variation 566408 (VCV000566408.12), dbSNP rs367952105, ClinGen allele CA7115962.

ClinVar aggregate classification (germline): Uncertain significance. Review status: criteria provided, multiple submitters, no conflicts (2 of 4 stars). 3 submissions from 3 submitters: Uncertain significance (3). Last evaluated 2026-05-07.

Conditions:
MYH6-related disorder. Also called: MYH6-Related Disorders; MYH6-related condition.
Cardiovascular phenotype. Identifiers: MedGen CN230736.
Hypertrophic cardiomyopathy 14. Identifiers: MedGen C2750467, MONDO:0013197, OMIM 613251.

Allele frequency attached by ClinVar (database versions not stated): gnomAD exomes 0.00001 and 0.00002; ExAC 0.00002; TOPMed 0.00006; ESP Exome Variant Server 0.00008; gnomAD 0.00009 and 0.00010.
gnomAD v4.1: 19 of 1,613,524 alleles (0.0012%); highest among the groups gnomAD compares: African/African-American, 0.021%; no homozygotes.

Submissions (3):

PreventionGenetics, part of Exact Sciences
Classification: Uncertain significance for MYH6-related condition. Last evaluated: 2026-05-07. Review status: criteria provided, single submitter. Criteria: ACMG Guidelines, 2015. Collection method: clinical testing. Allele origin: germline.
Comment: The MYH6 c.941T>C variant is predicted to result in the amino acid substitution p.Val314Ala. This variant has been reported in an individual with dilated cardiomyopathy (Table S3, Mazzarotto et al. 2020. PubMed ID: 31983221). This variant is reported in 0.024% of alleles in individuals of African descent in gnomAD. At this time, the clinical significance of this variant is uncertain due to the absence of conclusive functional and genetic evidence.

Labcorp Genetics (formerly Invitae), Labcorp
Classification: Uncertain significance for Hypertrophic cardiomyopathy 14. Last evaluated: 2026-01-25. Review status: criteria provided, single submitter. Criteria: Invitae Variant Classification Sherloc (09022015). Collection method: clinical testing. Allele origin: germline.
Comment: This sequence change replaces valine, which is neutral and non-polar, with alanine, which is neutral and non-polar, at codon 314 of the MYH6 protein (p.Val314Ala). This variant is present in population databases (rs367952105, gnomAD 0.02%). This missense change has been observed in individual(s) with dilated cardiomyopathy (PMID: 31983221). ClinVar contains an entry for this variant (Variation ID: 566408). Invitae Evidence Modeling of protein sequence and biophysical properties (such as structural, functional, and spatial information, amino acid conservation, physicochemical variation, residue mobility, and thermodynamic stability) indicates that this missense variant is not expected to disrupt MYH6 protein function with a negative predictive value of 80%. In summary, the available evidence is currently insufficient to determine the role of this variant in disease. Therefore, it has been classified as a Variant of Uncertain Significance.

Ambry Genetics
Classification: Uncertain significance for Cardiovascular phenotype. Last evaluated: 2024-05-16. Review status: criteria provided, single submitter. Criteria: Ambry Variant Classification Scheme 2023. Collection method: clinical testing. Allele origin: germline.
Comment: The p.V314A variant (also known as c.941T>C), located in coding exon 9 of the MYH6 gene, results from a T to C substitution at nucleotide position 941. The valine at codon 314 is replaced by alanine, an amino acid with similar properties. This alteration has been reported in a dilated cardiomyopathy (DCM) cohort; however, clinical details were limited (Mazzarotto F et al. Circulation, 2020 02;141:387-398). This amino acid position is not well conserved in available vertebrate species. In addition, the in silico prediction for this alteration is inconclusive. Based on the available evidence, the clinical significance of this variant remains unclear.

Literature cited by the submitters: PubMed 31983221 (cited by Labcorp Genetics (formerly Invitae), Labcorp and Ambry Genetics).